The following is an entry in ClinVar:

ClinVar aggregate classification (germline): Benign. Review status: criteria provided, single submitter (1 of 4 stars). 2 submissions from 2 submitters: Benign (1). 1 of the submissions does not count toward it. Last evaluated 2022-05-04.

Conditions:
Ovarian neoplasm. Also called: Ovarian tumor; Neoplasm of ovary; Ovarian Neoplasms. Identifiers: MedGen C0919267, MeSH D010051, MONDO:0021068, HP:0100615.

Submissions (2):

Mendelics
Classification: Benign. Last evaluated: 2022-05-04. Review status: criteria provided, single submitter. Criteria: Mendelics Assertion Criteria 2019. Collection method: clinical testing. Allele origin: germline.

Department of Zoology Govt. MVM College
Classification: Likely pathogenic for Neoplasm of ovary. Review status: no assertion criteria provided. Collection method: not provided. Allele origin: unknown. Not counted in ClinVar's aggregate classification.
Comment: KM275486
ClinVar note: Converted during submission from probable-pathogenic to Likely pathogenic.

NC_012920.1(MT-CYB):m.14753C>T

Gene: MT-CYB (mitochondrially encoded cytochrome b; plus strand).
Variant type: single nucleotide variant.
Genome position: chrM-14753-C-T.
Identifiers: ClinVar variation 143865 (VCV000143865.3), dbSNP rs527236162, ClinGen allele CA170519.